The following is an entry in ClinVar:

NM_003072.5(SMARCA4):c.3429C>T (p.Asn1143=)

Gene: SMARCA4 (SWI/SNF related BAF chromatin remodeling complex subunit ATPase 4; plus strand). Cytogenetic location: 19p13.2.
Variant type: single nucleotide variant.
Coding change: c.3429C>T on transcript NM_003072.5 (MANE Select); coding-DNA position 3429, C replaced by T.
Protein change: p.Asn1143=; no amino-acid change (asparagine 1143 retained).
Molecular consequence: synonymous variant. On other transcripts: non-coding transcript variant (1).
Genome position (GRCh38, 1-based): chr19:11,030,776, C>T. VCF-style: chr19-11030776-C-T. GRCh37 (hg19) VCF-style: chr19-11141452-C-T.
Other names: c.3429C>T, p.Asn1143= (NM_001128844.3, NM_001128845.2, NM_001128846.2 and 5 more transcripts).
Identifiers: ClinVar variation 470351 (VCV000470351.44), dbSNP rs768127028, ClinGen allele CA9204423.

ClinVar aggregate classification (germline): Benign/Likely benign. Review status: criteria provided, multiple submitters, no conflicts (2 of 4 stars). 6 submissions from 6 submitters: Benign (1); Likely benign (4). 1 of the submissions does not count toward it. Last evaluated 2026-07-14.

Conditions:
Rhabdoid tumor predisposition syndrome 2 (RTPS2). Identifiers: Orphanet 231108, Orphanet 69077, MedGen C2750074, MONDO:0013224, OMIM 613325.
SMARCA4-related disorder. Also called: SMARCA4-related condition.
Hereditary cancer-predisposing syndrome. Also called: Tumor predisposition; Neoplastic Syndromes, Hereditary; Hereditary Cancer Syndrome; Hereditary neoplastic syndrome. Identifiers: Orphanet 140162, MedGen C0027672, MeSH D009386, MONDO:0015356.

Allele frequency attached by ClinVar (database versions not stated): gnomAD 0.00003; ExAC 0.00002; TOPMed 0.00002; gnomAD exomes 0.00001.
gnomAD v4.1: 25 of 1,610,848 alleles (0.0016%); highest among the groups gnomAD compares: South Asian, 0.0066%; no homozygotes.

Submissions (6):

Myriad Genetics, Inc.
Classification: Benign for Rhabdoid tumor predisposition syndrome 2. Last evaluated: 2026-07-14. Review status: criteria provided, single submitter. Criteria: Myriad Autosomal Dominant, Autosomal Recessive and X-Linked Classification Criteria (2023). Collection method: clinical testing. Allele origin: unknown.
Comment: This variant is considered benign. This variant is a silent/synonymous amino acid change and it is not expected to impact splicing.

Labcorp Genetics (formerly Invitae), Labcorp
Classification: Likely benign for Rhabdoid tumor predisposition syndrome 2. Last evaluated: 2026-01-12. Review status: criteria provided, single submitter. Criteria: Invitae Variant Classification Sherloc (09022015). Collection method: clinical testing. Allele origin: germline.

CeGaT Center for Human Genetics Tuebingen
Classification: Likely benign. Last evaluated: 2022-11-01. Review status: criteria provided, single submitter. Criteria: CeGaT Center For Human Genetics Tuebingen Variant Classification Criteria Version 2. Collection method: clinical testing. Allele origin: germline. Affected: yes. Observed: 1 variant allele.
Comment: SMARCA4: BP4, BP7

Genetic Services Laboratory, University of Chicago
Classification: Likely benign. Last evaluated: 2018-04-09. Review status: criteria provided, single submitter. Criteria: ACMG Guidelines, 2015. Collection method: clinical testing. Allele origin: germline. Affected: no.

Ambry Genetics
Classification: Likely benign for Hereditary cancer-predisposing syndrome. Last evaluated: 2016-02-25. Review status: criteria provided, single submitter. Criteria: Ambry Variant Classification Scheme 2023. Collection method: clinical testing. Allele origin: germline.

PreventionGenetics, part of Exact Sciences
Classification: Likely benign for SMARCA4-related condition. Last evaluated: 2022-01-21. Review status: no assertion criteria provided. Collection method: clinical testing. Allele origin: germline. Not counted in ClinVar's aggregate classification.
Comment: This variant is classified as likely benign based on ACMG/AMP sequence variant interpretation guidelines (Richards et al. 2015 PMID: 25741868, with internal and published modifications).